The following is an entry in ClinVar:

ClinVar aggregate classification (germline): Uncertain significance (1 of 4 stars; one submission).

Conditions:
Hereditary cancer-predisposing syndrome. Also called: Tumor predisposition; Hereditary Cancer Syndrome; Hereditary neoplastic syndrome; Neoplastic Syndromes, Hereditary. Identifiers: Orphanet 140162, MedGen C0027672, MeSH D009386, MONDO:0015356.

Submission:

Ambry Genetics
Classification: Uncertain significance for Hereditary cancer-predisposing syndrome. Last evaluated: 2025-12-08. Review status: criteria provided, single submitter. Criteria: Ambry Variant Classification Scheme 2023. Collection method: clinical testing. Allele origin: germline.
Comment: The p.K128Q variant (also known as c.382A>C), located in coding exon 1 of the ALK gene, results from an A to C substitution at nucleotide position 382. The lysine at codon 128 is replaced by glutamine, an amino acid with similar properties. This amino acid position is conserved. In addition, the in silico prediction for this alteration is inconclusive. Based on the available evidence, the clinical significance of this variant remains unclear.

NM_004304.5(ALK):c.382A>C (p.Lys128Gln)

Gene: ALK (ALK receptor tyrosine kinase; minus strand). Cytogenetic location: 2p23.1.
Variant type: single nucleotide variant.
Coding change: c.382A>C on transcript NM_004304.5 (MANE Select); coding-DNA position 382, A replaced by C.
Protein change: p.Lys128Gln; replaces lysine 128 with glutamine.
Molecular consequence: missense variant.
Genome position (GRCh38, 1-based): chr2:29,920,278, T>G on the plus strand (A>C on the coding strand, the complement: ALK is on the minus strand). VCF-style: chr2-29920278-T-G. GRCh37 (hg19) VCF-style: chr2-30143144-T-G.
Other names: short protein forms K128Q.
Identifiers: ClinVar variation 4544082 (VCV004544082.1).
Genomic context (GRCh38, chr2:29,920,278, plus strand): 5'-CCTCGCCCAGCTCCAGCACCAACTGCTTGGCACGCCGGAGCTTGCGCACGGAGCCGCCCT[T>G]CAGCACCCTGGACAGCGTCCGGGCCTCTGCCGGGGCTGGTGAACCGGCGGTCCAGGAGAC-3'
Protein context (NP_004295.2, residues 118-138): AEARTLSRVL[Lys128Gln]GGSVRKLRRA